The following is an entry in ClinVar:

ClinVar aggregate classification (germline): Pathogenic (1 of 4 stars; one submission).

Conditions:
Duchenne muscular dystrophy (DMD). Also called: Duchenne Muscular Dystrophy (DMD); MUSCULAR DYSTROPHY, PSEUDOHYPERTROPHIC PROGRESSIVE, DUCHENNE TYPE. Identifiers: Orphanet 98896, MedGen C0013264, MONDO:0010679, OMIM 310200.

Submission:

Labcorp Genetics (formerly Invitae), Labcorp
Classification: Pathogenic for Duchenne muscular dystrophy. Last evaluated: 2022-09-10. Review status: criteria provided, single submitter. Criteria: Invitae Variant Classification Sherloc (09022015). Collection method: clinical testing. Allele origin: germline.
Comment: This variant results in a copy number gain of the genomic region encompassing exon(s) 18-21 of the DMD gene. While the exact position of this variant cannot be determined from the data, sub-genic copy number gains are generally in tandem (PMID: 25640679). This variant is predicted to be out-of-frame, and may result in an absent or disrupted protein product. Loss-of-function variants in DMD are known to be pathogenic (PMID: 16770791, 25007885). For these reasons, this variant has been classified as Pathogenic. A similar copy number variant has been observed in individuals with Duchenne muscular dystrophy (PMID: 17259292, 31139960).

Literature cited by the submitters: PubMed 25640679; PubMed 16770791; PubMed 25007885; PubMed 17259292; PubMed 31139960.

NC_000023.10:g.(?_32503016)_(32536268_?)dup

Gene: DMD (dystrophin; minus strand). Cytogenetic location: Xp21.1.
Variant type: Duplication.
Identifiers: ClinVar variation 1511127 (VCV001511127.6).